The following is an entry in ClinVar:

ClinVar aggregate classification (germline): Uncertain significance (1 of 4 stars; one submission).

Allele frequency attached by ClinVar (database versions not stated): gnomAD exomes below 0.00001.
gnomAD v4.1: 1 of 1,614,056 alleles (0.000062%); highest among the groups gnomAD compares: Non-Finnish European, 0.000085%; no homozygotes.

Submission:

Labcorp Genetics (formerly Invitae), Labcorp
Classification: Uncertain significance. Last evaluated: 2021-08-27. Review status: criteria provided, single submitter. Criteria: Invitae Variant Classification Sherloc (09022015). Collection method: clinical testing. Allele origin: germline.
Comment: This sequence change replaces glycine with aspartic acid at codon 1555 of the ALPK3 protein (p.Gly1555Asp). The glycine residue is moderately conserved and there is a moderate physicochemical difference between glycine and aspartic acid. This variant is not present in population databases (ExAC no frequency). This variant has not been reported in the literature in individuals affected with ALPK3-related conditions. Algorithms developed to predict the effect of missense changes on protein structure and function are either unavailable or do not agree on the potential impact of this missense change (SIFT: "Deleterious"; PolyPhen-2: "Probably Damaging"; Align-GVGD: "Class C0"). In summary, the available evidence is currently insufficient to determine the role of this variant in disease. Therefore, it has been classified as a Variant of Uncertain Significance.

NM_020778.5(ALPK3):c.4058G>A (p.Gly1353Asp)

Gene: ALPK3 (alpha kinase 3; plus strand). Cytogenetic location: 15q25.3.
Variant type: single nucleotide variant.
Coding change: c.4058G>A on transcript NM_020778.5 (MANE Select); coding-DNA position 4058, G replaced by A.
Protein change: p.Gly1353Asp; replaces glycine 1353 with aspartic acid.
Molecular consequence: missense variant.
Genome position (GRCh38, 1-based): chr15:84,859,868, G>A. VCF-style: chr15-84859868-G-A. GRCh37 (hg19) VCF-style: chr15-85403099-G-A.
Other names: short protein forms G1353D.
Identifiers: ClinVar variation 1349316 (VCV001349316.6), dbSNP rs1963921424, ClinGen allele CA393361983.
Genomic context (GRCh38, chr15:84,859,868, plus strand): 5'-TCGTGCAGGCCTCCCCCGTAGACTGCGGTGTGTATCGGTGCACCATCCACAATGAGCACG[G>A]CTCGGCCTCCACCGACTTCTGCCTCAGCCCTGAGGGTGAGTGTGCCCCGCGGCCCGGGGT-3'
Protein context (NP_065829.4, residues 1343-1363): VYRCTIHNEH[Gly1353Asp]SASTDFCLSP